The following is an entry in ClinVar:

NM_000432.4(MYL2):c.491A>G (p.Glu164Gly)

Gene: MYL2 (myosin light chain 2; minus strand). Cytogenetic location: 12q24.11.
Variant type: single nucleotide variant.
Coding change: c.491A>G on transcript NM_000432.4 (MANE Select); coding-DNA position 491, A replaced by G.
Protein change: p.Glu164Gly; replaces glutamic acid 164 with glycine.
Molecular consequence: missense variant.
Genome position (GRCh38, 1-based): chr12:110,911,087, T>C on the plus strand (A>G on the coding strand, the complement: MYL2 is on the minus strand). VCF-style: chr12-110911087-T-C. GRCh37 (hg19) VCF-style: chr12-111348891-T-C.
Other names: c.449A>G, p.Glu150Gly (NM_001406745.1); c.434A>G, p.Glu145Gly (NM_001406916.1); short protein forms E145G, E150G, E164G.
Identifiers: ClinVar variation 4531379 (VCV004531379.1).

ClinVar aggregate classification (germline): Uncertain significance (1 of 4 stars; one submission).

Conditions:
Hypertrophic cardiomyopathy 10. Also called: CARDIOMYOPATHY, HYPERTROPHIC, MID-LEFT VENTRICULAR CHAMBER TYPE, 2; MYL2-Related Familial Hypertrophic Cardiomyopathy. Identifiers: MedGen C1834460, MONDO:0012112, OMIM 608758.

Submission:

Victorian Clinical Genetics Services, Murdoch Childrens Research Institute
Classification: Uncertain significance for Hypertrophic cardiomyopathy 10. Last evaluated: 2025-04-28. Review status: criteria provided, single submitter. Criteria: ACMG Guidelines, 2015. Collection method: clinical testing. Allele origin: germline. Affected: yes.
Comment: This variant is classified as VUS-3A. Evidence in support of pathogenic classification: Variant is absent from gnomAD (v2, v3 and v4); Another missense variant comparable to the one identified in this case has limited previous evidence for pathogenicity. p.(Glu164Lys) has been reported once in an individual with hypertrophic cardiomyopathy (PMID: 38837338) and has been classified as a variant of uncertain significance by two clinical laboratories (ClinVar). In addition, p.(Glu164Val) has been classified as a VUS by a clinical laboratory in ClinVar. - Missense variant predicted to be damaging by in silico tool(s) or highly conserved with a major amino acid change. Additional information: Variant is predicted to result in a missense amino acid change from glutamic acid to glycine; This variant is heterozygous; This gene is associated with both recessive and dominant disease. Hypertrophic cardiomyopathy 10 (MIM#608758) is associated with autosomal dominant inheritance, and infantile-onset myofibrillar myopathy12 with cardiomyopathy (MIM#619424) is associated with autosomal recessive inheritance (OMIM); This variant has no previous evidence of pathogenicity; No published segregation evidence has been identified for this variant; No published functional evidence has been identified for this variant; Variant is not located in an established domain, motif, hotspot or informative constraint region; The mechanism of disease for this gene is not clearly established. However, loss of function is a suggested mechanism of autosomal recessive myopathy, myofibrillar, 12, infantile-onset, with cardiomyopathy (MIM#619424); Inheritance information for this variant is not currently available in this individual.

Literature cited by the submitters: PubMed 38837338.